The following is an entry in ClinVar:

NM_130849.4(SLC39A4):c.88del (p.Ser30fs)

Gene: SLC39A4 (solute carrier family 39 member 4; minus strand). Cytogenetic location: 8q24.3.
Variant type: Deletion.
Coding change: c.88del on transcript NM_130849.4 (MANE Select); coding-DNA position 88, one base deleted (A; older notation c.88delA).
Protein change: p.Ser30fs; shifts the reading frame from serine 30.
Molecular consequence: frameshift variant.
Genome position (GRCh38, 1-based): chr8:144,416,702, T deleted on the plus strand (A on the coding strand, the reverse complement: SLC39A4 is on the minus strand). VCF-style (leftmost placement, unchanged base first): chr8-144416701-CT-C. GRCh37 (hg19) VCF-style: chr8-145642085-CT-C.
Other names: c.88del, p.Ser30fs (NM_001374839.1); short protein forms S30fs.
Identifiers: ClinVar variation 1406250 (VCV001406250.6), dbSNP rs2130804323, ClinGen allele CA2573143009.

ClinVar aggregate classification (germline): Pathogenic (1 of 4 stars; one submission).

Submission:

Labcorp Genetics (formerly Invitae), Labcorp
Classification: Pathogenic. Last evaluated: 2021-08-07. Review status: criteria provided, single submitter. Criteria: Invitae Variant Classification Sherloc (09022015). Collection method: clinical testing. Allele origin: germline.
Comment: For these reasons, this variant has been classified as Pathogenic. This variant has not been reported in the literature in individuals affected with SLC39A4-related conditions. This variant is not present in population databases (ExAC no frequency). This sequence change creates a premature translational stop signal (p.Ser30Alafs*19) in the SLC39A4 gene. It is expected to result in an absent or disrupted protein product. Loss-of-function variants in SLC39A4 are known to be pathogenic (PMID: 12955721).

Literature cited by the submitters: PubMed 12955721.